The following is an entry in ClinVar:

NM_001385641.1(SAMD11):c.1925T>C (p.Val642Ala)

Gene: SAMD11 (sterile alpha motif domain containing 11; plus strand). Cytogenetic location: 1p36.33.
Variant type: single nucleotide variant.
Coding change: c.1925T>C on transcript NM_001385641.1 (MANE Select); coding-DNA position 1925, T replaced by C.
Protein change: p.Val642Ala; replaces valine 642 with alanine.
Molecular consequence: missense variant.
Genome position (GRCh38, 1-based): chr1:942,930, T>C. VCF-style: chr1-942930-T-C. GRCh37 (hg19) VCF-style: chr1-878310-T-C.
Other names: c.1928T>C, p.Val643Ala (NM_001385640.1); c.1436T>C, p.Val479Ala (NM_152486.4); c.1436T>C (NM_152486.2); short protein forms V479A, V642A, V643A.
Identifiers: ClinVar variation 1169836 (VCV001169836.13), dbSNP rs201580592, ClinGen allele CA503023.

ClinVar aggregate classification (germline): Benign/Likely benign. Review status: criteria provided, multiple submitters, no conflicts (2 of 4 stars). 4 submissions from 4 submitters: Benign (1); Likely benign (2). 1 of the submissions does not count toward it. Last evaluated 2026-02-02.

Conditions:
SAMD11-related disorder. Also called: SAMD11-related condition.

Allele frequency attached by ClinVar (database versions not stated): gnomAD exomes 0.00020 and 0.00044; ESP Exome Variant Server 0.00105; ExAC 0.00118; gnomAD 0.00254 and 0.00268; TOPMed 0.00286; 1000 Genomes Project 0.00319; 1000 Genomes Project 30x 0.00359.
gnomAD v4.1: 693 of 1,551,058 alleles (0.045%); highest among the groups gnomAD compares: African/African-American, 0.85%; 4 homozygotes.

Submissions (4):

Labcorp Genetics (formerly Invitae), Labcorp
Classification: Benign. Last evaluated: 2026-02-02. Review status: criteria provided, single submitter. Criteria: Invitae Variant Classification Sherloc (09022015). Collection method: clinical testing. Allele origin: germline.

Ambry Genetics
Classification: Likely benign. Last evaluated: 2025-08-04. Review status: criteria provided, single submitter. Criteria: Ambry Variant Classification Scheme 2023. Collection method: clinical testing. Allele origin: germline.

Blueprint Genetics
Classification: Likely benign. Last evaluated: 2024-06-18. Review status: criteria provided, single submitter. Criteria: ACMG Guidelines, 2015. Collection method: clinical testing. Allele origin: germline.

PreventionGenetics, part of Exact Sciences
Classification: Likely benign for SAMD11-related condition. Last evaluated: 2022-05-27. Review status: no assertion criteria provided. Collection method: clinical testing. Allele origin: germline. Not counted in ClinVar's aggregate classification.
Comment: This variant is classified as likely benign based on ACMG/AMP sequence variant interpretation guidelines (Richards et al. 2015 PMID: 25741868, with internal and published modifications).